The following is an entry in ClinVar:

ClinVar aggregate classification (germline): Benign/Likely benign. Review status: criteria provided, multiple submitters, no conflicts (2 of 4 stars). 4 submissions from 4 submitters: Benign (1); Likely benign (2). 1 of the submissions does not count toward it. Last evaluated 2026-01-23.

Conditions:
ABCB7-related disorder. Also called: ABCB7-related condition.

Allele frequency attached by ClinVar (database versions not stated): ExAC 0.00032; gnomAD 0.00082; TOPMed 0.00086; ESP Exome Variant Server 0.00104; 1000 Genomes Project 0.00132; 1000 Genomes Project 30x 0.00146.
gnomAD v4.1: 217 of 1,209,358 alleles (0.018%); highest among the groups gnomAD compares: African/African-American, 0.31%; 3 homozygotes.

Submissions (4):

Labcorp Genetics (formerly Invitae), Labcorp
Classification: Benign. Last evaluated: 2026-01-23. Review status: criteria provided, single submitter. Criteria: Invitae Variant Classification Sherloc (09022015). Collection method: clinical testing. Allele origin: germline.

Blueprint Genetics
Classification: Likely benign. Last evaluated: 2024-11-13. Review status: criteria provided, single submitter. Criteria: ACMG Guidelines, 2015. Collection method: clinical testing. Allele origin: germline.

GeneDx
Classification: Likely benign. Last evaluated: 2021-02-16. Review status: criteria provided, single submitter. Criteria: GeneDx Variant Classification Process June 2021. Collection method: clinical testing. Allele origin: germline. Affected: yes.

PreventionGenetics, part of Exact Sciences
Classification: Likely benign for ABCB7-related condition. Last evaluated: 2019-08-14. Review status: no assertion criteria provided. Collection method: clinical testing. Allele origin: germline. Not counted in ClinVar's aggregate classification.
Comment: This variant is classified as likely benign based on ACMG/AMP sequence variant interpretation guidelines (Richards et al. 2015 PMID: 25741868, with internal and published modifications).

NM_001271696.3(ABCB7):c.1764T>C (p.His588=)

Gene: ABCB7 (ATP binding cassette subfamily B member 7; minus strand). Cytogenetic location: Xq13.3.
Variant type: single nucleotide variant.
Coding change: c.1764T>C on transcript NM_001271696.3 (MANE Select); coding-DNA position 1764, T replaced by C.
Protein change: p.His588=; no amino-acid change (histidine 588 retained).
Molecular consequence: synonymous variant.
Genome position (GRCh38, 1-based): chrX:75,065,137, A>G on the plus strand (T>C on the coding strand, the complement: ABCB7 is on the minus strand). VCF-style: chrX-75065137-A-G. GRCh37 (hg19) VCF-style: chrX-74284972-A-G.
Other names: c.1644T>C, p.His548= (NM_001271697.3); c.1686T>C, p.His562= (NM_001271698.3); c.1647T>C, p.His549= (NM_001271699.3); c.1767T>C, p.His589= (NM_004299.6).
Identifiers: ClinVar variation 517092 (VCV000517092.16), dbSNP rs150273961, ClinGen allele CA10455354.